The following is an entry in ClinVar:

NM_001103.4(ACTN2):c.546T>C (p.Asp182=)

Gene: ACTN2 (actinin alpha 2; plus strand). Cytogenetic location: 1q43.
Variant type: single nucleotide variant.
Coding change: c.546T>C on transcript NM_001103.4 (MANE Select); coding-DNA position 546, T replaced by C.
Protein change: p.Asp182=; no amino-acid change (aspartic acid 182 retained).
Molecular consequence: synonymous variant. On other transcripts: 5 prime UTR variant (1).
Genome position (GRCh38, 1-based): chr1:236,727,687, T>C. VCF-style: chr1-236727687-T-C. GRCh37 (hg19) VCF-style: chr1-236890987-T-C.
Other names: c.546T>C, p.Asp182= (NM_001278343.2); c.-276T>C (NM_001278344.2).
Identifiers: ClinVar variation 219427 (VCV000219427.26), dbSNP rs34263845, ClinGen allele CA349852.

ClinVar aggregate classification (germline): Conflicting classifications of pathogenicity. Review status: criteria provided, conflicting classifications (1 of 4 stars). 9 submissions from 9 submitters: Uncertain significance (1); Benign (2); Likely benign (3). 3 of the submissions do not count toward it. Last evaluated 2026-01-19.

Conditions:
ACTN2-related disorder. Also called: ACTN2 related condition; ACTN2-related disorders.
Primary familial hypertrophic cardiomyopathy (HCM). Identifiers: Orphanet 99739, MedGen C0949658, MeSH D024741, MONDO:0024573. Inheritance: Various modes of inheritance.
Dilated cardiomyopathy 1AA (CMD1AA). Also called: CARDIOMYOPATHY, DILATED, 1AA, WITH OR WITHOUT LEFT VENTRICULAR NONCOMPACTION; CARDIOMYOPATHY, FAMILIAL HYPERTROPHIC, 23, WITH OR WITHOUT LEFT VENTRICULAR NONCOMPACTION; Cardiomyopathy, dilated, 1AA, with or without LVNC. Identifiers: Orphanet 154, MedGen C2677338, MONDO:0012808, OMIM 612158.
Cardiomyopathy (CMYO). Also called: Cardiomyopathies. Identifiers: Orphanet 167848, MedGen C0878544, MONDO:0004994, HP:0001638. Inheritance: Various modes of inheritance.
Cardiovascular phenotype. Identifiers: MedGen CN230736.

Allele frequency attached by ClinVar (database versions not stated): gnomAD 0.00063 and 0.00066; gnomAD exomes 0.00084 and 0.00051; ExAC 0.00091; ESP Exome Variant Server 0.00015; TOPMed 0.00017; 1000 Genomes Project 30x 0.00031; 1000 Genomes Project 0.00040.
gnomAD v4.1: 869 of 1,614,128 alleles (0.054%); highest among the groups gnomAD compares: Non-Finnish European, 0.037%; 2 homozygotes.

Submissions (9):

Labcorp Genetics (formerly Invitae), Labcorp
Classification: Benign for Primary familial hypertrophic cardiomyopathy; Dilated cardiomyopathy 1AA. Last evaluated: 2026-01-19. Review status: criteria provided, single submitter. Criteria: Invitae Variant Classification Sherloc (09022015). Collection method: clinical testing. Allele origin: germline.

Blueprint Genetics
Classification: Likely benign. Last evaluated: 2024-10-10. Review status: criteria provided, single submitter. Criteria: ACMG Guidelines, 2015. Collection method: clinical testing. Allele origin: germline.

GeneDx
Classification: Likely benign. Last evaluated: 2019-10-18. Review status: criteria provided, single submitter. Criteria: GeneDx Variant Classification Process June 2021. Collection method: clinical testing. Allele origin: germline. Affected: yes.

CHEO Genetics Diagnostic Laboratory, Children's Hospital of Eastern Ontario
Classification: Benign for Cardiomyopathy. Last evaluated: 2019-08-09. Review status: criteria provided, single submitter. Criteria: ACMG Guidelines, 2015. Collection method: clinical testing. Allele origin: germline. Study: Canadian Open Genetics Repository.

Ambry Genetics
Classification: Likely benign for Cardiovascular phenotype. Last evaluated: 2018-03-21. Review status: criteria provided, single submitter. Criteria: Ambry Variant Classification Scheme 2023. Collection method: clinical testing. Allele origin: germline.

Illumina Laboratory Services, Illumina
Classification: Uncertain significance for Dilated cardiomyopathy 1AA. Last evaluated: 2018-01-13. Review status: criteria provided, single submitter. Criteria: ICSL Variant Classification Criteria 13 December 2019. Collection method: clinical testing. Allele origin: germline.

PreventionGenetics, part of Exact Sciences
Classification: Benign for ACTN2-related condition. Last evaluated: 2019-04-12. Review status: no assertion criteria provided. Collection method: clinical testing. Allele origin: germline. Not counted in ClinVar's aggregate classification.
Comment: This variant is classified as benign based on ACMG/AMP sequence variant interpretation guidelines (Richards et al. 2015 PMID: 25741868, with internal and published modifications).

Genome Diagnostics Laboratory, University Medical Center Utrecht
Classification: Benign. Review status: no assertion criteria provided. Collection method: clinical testing. Allele origin: germline. Affected: yes. Study: VKGL Data-share Consensus. Not counted in ClinVar's aggregate classification.

Joint Genome Diagnostic Labs from Nijmegen and Maastricht, Radboudumc and MUMC+
Classification: Benign. Review status: no assertion criteria provided. Collection method: clinical testing. Allele origin: germline. Affected: yes. Study: VKGL Data-share Consensus. Not counted in ClinVar's aggregate classification.